The following is an entry in ClinVar:

NM_022773.4(LMF1):c.70G>T (p.Asp24Tyr)

Genes: LMF1 (lipase maturation factor 1; minus strand), LOC130058141 (ATAC-STARR-seq lymphoblastoid silent region 6962; plus strand). Cytogenetic location: 16p13.3.
Variant type: single nucleotide variant.
Coding change: c.70G>T on transcript NM_022773.4 (MANE Select); coding-DNA position 70, G replaced by T.
Protein change: p.Asp24Tyr; replaces aspartic acid 24 with tyrosine.
Molecular consequence: missense variant. On other transcripts: 5 prime UTR variant (1), non-coding transcript variant (1), intron variant (3).
Genome position (GRCh38, 1-based): chr16:970,911, C>A on the plus strand (G>T on the coding strand, the complement: LMF1 is on the minus strand). VCF-style: chr16-970911-C-A. GRCh37 (hg19) VCF-style: chr16-1020911-C-A.
Other names: c.70G>T, p.Asp24Tyr (NM_001352020.1); c.-636G>T (NM_001352021.2); c.-135+10234G>T (NM_001352019.2); c.-611+10234G>T (NM_001352017.2); c.-362+10234G>T (NM_001352018.2); short protein forms D24Y.
Identifiers: ClinVar variation 2447053 (VCV002447053.4), dbSNP rs746764539, ClinGen allele CA7797793.

ClinVar aggregate classification (germline): Uncertain significance. Review status: criteria provided, multiple submitters, no conflicts (2 of 4 stars). 2 submissions from 2 submitters: Uncertain significance (2). Last evaluated 2024-08-13.

Conditions:
Cardiovascular phenotype. Identifiers: MedGen CN230736.

Allele frequency attached by ClinVar (database versions not stated): gnomAD 0.00001; ExAC 0.00002.

Submissions (2):

Labcorp Genetics (formerly Invitae), Labcorp
Classification: Uncertain significance. Last evaluated: 2024-08-13. Review status: criteria provided, single submitter. Criteria: Invitae Variant Classification Sherloc (09022015). Collection method: clinical testing. Allele origin: germline.
Comment: This sequence change replaces aspartic acid, which is acidic and polar, with tyrosine, which is neutral and polar, at codon 24 of the LMF1 protein (p.Asp24Tyr). The frequency data for this variant in the population databases is considered unreliable, as metrics indicate poor data quality at this position in the gnomAD database. This missense change has been observed in individual(s) with LMF1-related conditions (PMID: 36325899). ClinVar contains an entry for this variant (Variation ID: 2447053). An algorithm developed to predict the effect of missense changes on protein structure and function (PolyPhen-2) suggests that this variant is likely to be tolerated. In summary, the available evidence is currently insufficient to determine the role of this variant in disease. Therefore, it has been classified as a Variant of Uncertain Significance.

Ambry Genetics
Classification: Uncertain significance for Cardiovascular phenotype. Last evaluated: 2022-12-16. Review status: criteria provided, single submitter. Criteria: Ambry Variant Classification Scheme 2023. Collection method: clinical testing. Allele origin: germline.
Comment: The p.D24Y variant (also known as c.70G>T), located in coding exon 1 of the LMF1 gene, results from a G to T substitution at nucleotide position 70. The aspartic acid at codon 24 is replaced by tyrosine, an amino acid with highly dissimilar properties. This amino acid position is conserved. In addition, this alteration is predicted to be tolerated by in silico analysis. Since supporting evidence is limited at this time, the clinical significance of this alteration remains unclear.

Literature cited by the submitters: PubMed 36325899 (cited by Labcorp Genetics (formerly Invitae), Labcorp).